The following is an entry in ClinVar:

NM_000188.3(HK1):c.1298G>T (p.Arg433Leu)

Gene: HK1 (hexokinase 1; plus strand). Cytogenetic location: 10q22.1.
Variant type: single nucleotide variant.
Coding change: c.1298G>T on transcript NM_000188.3 (MANE Select); coding-DNA position 1298, G replaced by T.
Protein change: p.Arg433Leu; replaces arginine 433 with leucine.
Molecular consequence: missense variant.
Genome position (GRCh38, 1-based): chr10:69,382,519, G>T. VCF-style: chr10-69382519-G-T. GRCh37 (hg19) VCF-style: chr10-71142275-G-T.
Other names: c.1310G>T, p.Arg437Leu (NM_001322364.2, NM_001358263.1, NM_033497.3 and 1 more transcripts); c.1403G>T, p.Arg468Leu (NM_001322365.2); c.1214G>T, p.Arg405Leu (NM_001322366.1); c.1202G>T, p.Arg401Leu (NM_001322367.1); c.1295G>T, p.Arg432Leu (NM_033496.3); c.1262G>T, p.Arg421Leu (NM_033500.2); short protein forms R401L, R405L, R421L, R432L, R433L, R437L, R468L.
Identifiers: ClinVar variation 3679133 (VCV003679133.2).
Genomic context (GRCh38, chr10:69,382,519, plus strand): 5'-TGTGGAATGTCCCCCCTGCCCCCATAAGGTATTCCCGGCGTTTCCACAAGACTCTAAGGC[G>T]CTTGGTGCCAGACTCCGATGTGCGCTTCCTCCTCTCGGAGAGTGGCAGCGGCAAGGGGGC-3'
Protein context (NP_000179.2, residues 423-443): YSRRFHKTLR[Arg433Leu]LVPDSDVRFL

ClinVar aggregate classification (germline): Uncertain significance (1 of 4 stars; one submission).

gnomAD v4.1: 1 of 1,614,192 alleles (0.000062%); highest among the groups gnomAD compares: African/African-American, 0.0013%; no homozygotes.

Submission:

Labcorp Genetics (formerly Invitae), Labcorp
Classification: Uncertain significance. Last evaluated: 2025-03-17. Review status: criteria provided, single submitter. Criteria: Invitae Variant Classification Sherloc (09022015). Collection method: clinical testing. Allele origin: germline.
Comment: This sequence change replaces arginine, which is basic and polar, with leucine, which is neutral and non-polar, at codon 433 of the HK1 protein (p.Arg433Leu). This variant is not present in population databases (gnomAD no frequency). This variant has not been reported in the literature in individuals affected with HK1-related conditions. Invitae Evidence Modeling of protein sequence and biophysical properties (such as structural, functional, and spatial information, amino acid conservation, physicochemical variation, residue mobility, and thermodynamic stability) indicates that this missense variant is not expected to disrupt HK1 protein function with a negative predictive value of 80%. In summary, the available evidence is currently insufficient to determine the role of this variant in disease. Therefore, it has been classified as a Variant of Uncertain Significance.